The following is an entry in ClinVar:

NM_182961.4(SYNE1):c.6541-48A>C

Gene: SYNE1 (spectrin repeat containing nuclear envelope protein 1; minus strand). Cytogenetic location: 6q25.2.
Variant type: single nucleotide variant.
Coding change: c.6541-48A>C on transcript NM_182961.4 (MANE Select); 48 bases into the intron before coding-DNA position 6541, A replaced by C.
Molecular consequence: intron variant.
Genome position (GRCh38, 1-based): chr6:152,407,244, T>G on the plus strand (A>C on the coding strand, the complement: SYNE1 is on the minus strand). VCF-style: chr6-152407244-T-G. GRCh37 (hg19) VCF-style: chr6-152728379-T-G.
Other names: c.6562-48A>C (NM_033071.5).
Identifiers: ClinVar variation 676380 (VCV000676380.1), dbSNP rs78757858, ClinGen allele CA4058038.

ClinVar aggregate classification (germline): Benign (1 of 4 stars; one submission).

Allele frequency attached by ClinVar (database versions not stated): 1000 Genomes Project 0.01777; 1000 Genomes Project 30x 0.01827; gnomAD exomes 0.00139 and 0.00382; ExAC 0.00464; gnomAD 0.01402 and 0.01486; TOPMed 0.01512; ESP Exome Variant Server 0.01553.
gnomAD v4.1: 4,207 of 1,584,320 alleles (0.27%); highest among the groups gnomAD compares: African/African-American, 4.9%; 97 homozygotes.

Submission:

GeneDx
Classification: Benign. Last evaluated: 2018-06-19. Review status: criteria provided, single submitter. Criteria: GeneDx Variant Classification (06012015). Collection method: clinical testing. Allele origin: germline. Affected: yes.
Comment: This variant is considered likely benign or benign based on one or more of the following criteria: it is a conservative change, it occurs at a poorly conserved position in the protein, it is predicted to be benign by multiple in silico algorithms, and/or has population frequency not consistent with disease.